The following is an entry in ClinVar:

NM_000264.5(PTCH1):c.1146C>T (p.Val382=)

Gene: PTCH1 (patched 1; minus strand). Cytogenetic location: 9q22.32.
Variant type: single nucleotide variant.
Coding change: c.1146C>T on transcript NM_000264.5 (MANE Select); coding-DNA position 1146, C replaced by T.
Protein change: p.Val382=; no amino-acid change (valine 382 retained).
Molecular consequence: synonymous variant. On other transcripts: non-coding transcript variant (1).
Genome position (GRCh38, 1-based): chr9:95,479,069, G>A on the plus strand (C>T on the coding strand, the complement: PTCH1 is on the minus strand). VCF-style: chr9-95479069-G-A. GRCh37 (hg19) VCF-style: chr9-98241351-G-A.
Other names: c.948C>T, p.Val316= (NM_001083602.3); c.1143C>T, p.Val381= (NM_001083603.3); c.693C>T, p.Val231= (NM_001083604.3, NM_001083605.3, NM_001083606.3 and 1 more transcripts); c.1146C>T, p.Val382= (NM_001354918.2).
Identifiers: ClinVar variation 524604 (VCV000524604.20), dbSNP rs761718160, ClinGen allele CA5138753.

ClinVar aggregate classification (germline): Likely benign. Review status: criteria provided, multiple submitters, no conflicts (2 of 4 stars). 3 submissions from 3 submitters: Likely benign (3). Last evaluated 2025-11-10.

Conditions:
Hereditary cancer-predisposing syndrome. Also called: Neoplastic Syndromes, Hereditary; Hereditary Cancer Syndrome; Tumor predisposition; Hereditary neoplastic syndrome. Identifiers: Orphanet 140162, MedGen C0027672, MeSH D009386, MONDO:0015356.
Gorlin syndrome. Also called: Nevoid Basal Cell Carcinoma Syndrome; Basal cell nevus syndrome. Identifiers: Orphanet 377, MedGen C0004779, MONDO:0007187.

Allele frequency attached by ClinVar (database versions not stated): gnomAD exomes below 0.00001; TOPMed below 0.00001; ExAC 0.00001; gnomAD 0.00001.
gnomAD v4.1: 4 of 1,614,052 alleles (0.00025%); highest among the groups gnomAD compares: Non-Finnish European, 0.00034%; no homozygotes.

Submissions (3):

Labcorp Genetics (formerly Invitae), Labcorp
Classification: Likely benign for Gorlin syndrome. Last evaluated: 2025-11-10. Review status: criteria provided, single submitter. Criteria: Invitae Variant Classification Sherloc (09022015). Collection method: clinical testing. Allele origin: germline.

CeGaT Center for Human Genetics Tuebingen
Classification: Likely benign. Last evaluated: 2025-10-01. Review status: criteria provided, single submitter. Criteria: CeGaT Center For Human Genetics Tuebingen Variant Classification Criteria Version 2. Collection method: clinical testing. Allele origin: germline. Affected: yes. Observed: 1 variant allele.
Comment: PTCH1: BP4, BP7

Ambry Genetics
Classification: Likely benign for Hereditary cancer-predisposing syndrome. Last evaluated: 2020-06-11. Review status: criteria provided, single submitter. Criteria: Ambry Variant Classification Scheme 2023. Collection method: clinical testing. Allele origin: germline.